The following is an entry in ClinVar:

ClinVar aggregate classification (germline): Uncertain significance (1 of 4 stars; one submission).

Conditions:
Leigh syndrome (NULS). Also called: Leigh's necrotizing encephalopathy; Leigh's disease; Leigh Syndrome (mtDNA deletion); Leigh Disease; Subacute necrotizing encephalopathy; Necrotizing encephalopathy infantile subacute of Leigh. Identifiers: Orphanet 506, MedGen C2931891, MONDO:0009723, OMIM 256000.

Submission:

Wong Mito Lab, Molecular and Human Genetics, Baylor College of Medicine
Classification: Uncertain significance for Leigh syndrome. Last evaluated: 2019-10-17. Review status: criteria provided, single submitter. Criteria: Modified ACMG Guidelines (Unpublished). Collection method: clinical testing. Allele origin: germline.
Comment: The NC_012920.1:m.8379A>G (YP_003024030.1:p.Asn5Ser) variant in MTATP8 gene is interpretated to be a Uncertain Significance variant based on the modified ACMG guidelines (unpublished). This variant meets the following evidence codes: PP6, BS1

NC_012920.1(MT-ATP8):m.8379A>G

Gene: MT-ATP8 (mitochondrially encoded ATP synthase 8; plus strand).
Variant type: single nucleotide variant.
Genome position: chrM-8379-A-G.
Identifiers: ClinVar variation 692836 (VCV000692836.1), dbSNP rs1603221434, ClinGen allele CA414795848.